The following is an entry in ClinVar:

NM_006231.4(POLE):c.2932G>T (p.Glu978Ter)

Gene: POLE (DNA polymerase epsilon, catalytic subunit; minus strand). Cytogenetic location: 12q24.33.
Variant type: single nucleotide variant.
Coding change: c.2932G>T on transcript NM_006231.4 (MANE Select); coding-DNA position 2932, G replaced by T.
Protein change: p.Glu978Ter; replaces glutamic acid 978 with a stop codon.
Molecular consequence: nonsense.
Genome position (GRCh38, 1-based): chr12:132,661,097, C>A on the plus strand (G>T on the coding strand, the complement: POLE is on the minus strand). VCF-style: chr12-132661097-C-A. GRCh37 (hg19) VCF-style: chr12-133237683-C-A.
Other names: short protein forms E978*.
Identifiers: ClinVar variation 548907 (VCV000548907.14), dbSNP rs1555225958, ClinGen allele CA387392636.

ClinVar aggregate classification (germline): Conflicting classifications of pathogenicity. Review status: criteria provided, conflicting classifications (1 of 4 stars). 4 submissions from 4 submitters: Pathogenic (1); Uncertain significance (1). 2 of the submissions do not count toward it. Last evaluated 2025-09-22.

Conditions:
Hereditary cancer-predisposing syndrome. Also called: Hereditary Cancer Syndrome; Hereditary neoplastic syndrome; Tumor predisposition; Neoplastic Syndromes, Hereditary. Identifiers: Orphanet 140162, MedGen C0027672, MeSH D009386, MONDO:0015356.
Colorectal cancer, susceptibility to, 12 (CRCS12). Also called: COLORECTAL CANCER, SUSCEPTIBILITY TO, ON CHROMOSOME 12q24. Identifiers: Orphanet 220460, MedGen C3554460, MONDO:0014038, OMIM 615083.

Allele frequency attached by ClinVar (database versions not stated): gnomAD exomes below 0.00001; TOPMed below 0.00001.
gnomAD v4.1: 7 of 1,614,018 alleles (0.00043%); highest among the groups gnomAD compares: Non-Finnish European, 0.00051%; no homozygotes.

Submissions (4):

Labcorp Genetics (formerly Invitae), Labcorp
Classification: Pathogenic. Last evaluated: 2025-09-22. Review status: criteria provided, single submitter. Criteria: Invitae Variant Classification Sherloc (09022015). Collection method: clinical testing. Allele origin: germline.
Comment: This sequence change creates a premature translational stop signal (p.Glu978*) in the POLE gene. It is expected to result in an absent or disrupted protein product. Loss-of-function variants in POLE are known to be pathogenic (PMID: 23230001, 25948378, 30503519). This variant is not present in population databases (gnomAD no frequency). This variant has not been reported in the literature in individuals affected with POLE-related conditions. ClinVar contains an entry for this variant (Variation ID: 548907). For these reasons, this variant has been classified as Pathogenic.

Ambry Genetics
Classification: Uncertain significance for Hereditary cancer-predisposing syndrome. Last evaluated: 2025-01-24. Review status: criteria provided, single submitter. Criteria: Ambry Variant Classification Scheme 2023. Collection method: clinical testing. Allele origin: germline.
Comment: The p.E978* variant (also known as c.2932G>T), located in coding exon 25 of the POLE gene, results from a G to T substitution at nucleotide position 2932. This changes the amino acid from a glutamic acid to a stop codon within coding exon 25. This alteration is expected to result in loss of function by premature protein truncation or nonsense-mediated mRNA decay. Loss-of-function variants subject to nonsense mediated decay (NMD) in POLE are known to cause POLE deficiency; however, such associations with POLE-related polymerase proofreading-associated polyposis (PPAP) have not been reported. Based on the supporting evidence, this alteration is pathogenic for POLE deficiency; however, the association of this alteration with POLE-related polymerase proofreading-associated polyposis (PPAP) is unknown.

True Health Diagnostics
Classification: Pathogenic for Hereditary cancer-predisposing syndrome. Last evaluated: 2018-08-09. Review status: no assertion criteria provided. Collection method: clinical testing. Allele origin: germline. Not counted in ClinVar's aggregate classification.

Counsyl
Classification: Likely pathogenic for Colorectal cancer, susceptibility to, 12. Last evaluated: 2018-05-08. Review status: no assertion criteria provided. Collection method: clinical testing. Allele origin: unknown. Not counted in ClinVar's aggregate classification.

Literature cited by the submitters: PubMed 23230001 (cited by Labcorp Genetics (formerly Invitae), Labcorp); PubMed 25948378 (cited by Labcorp Genetics (formerly Invitae), Labcorp); PubMed 30503519 (cited by Labcorp Genetics (formerly Invitae), Labcorp).